The following is an entry in ClinVar:

NM_022095.4(ZNF335):c.2663del (p.Pro888fs)

Gene: ZNF335 (zinc finger protein 335; minus strand). Cytogenetic location: 20q13.12.
Variant type: Deletion.
Coding change: c.2663del on transcript NM_022095.4 (MANE Select); coding-DNA position 2663, one base deleted (C; older notation c.2663delC).
Protein change: p.Pro888fs; shifts the reading frame from proline 888.
Molecular consequence: frameshift variant.
Genome position (GRCh38, 1-based): chr20:45,953,728, G deleted on the plus strand (C on the coding strand, the reverse complement: ZNF335 is on the minus strand); the first of 5 consecutive G bases (chr20:45,953,728-45,953,732); deleting any one gives the same sequence. VCF-style (leftmost placement, unchanged base first): chr20-45953727-AG-A. GRCh37 (hg19) VCF-style: chr20-44582366-AG-A.
Other names: short protein forms P888fs.
Identifiers: ClinVar variation 2964823 (VCV002964823.3), dbSNP rs2083674980, ClinGen allele CA1017932415.
Genomic context (GRCh38, chr20:45,953,727, plus strand): 5'-CCTTGCAGGCAGCAGGTCTCACCTGTAAGGTGTGCCAGGAGCTGATGTTCCCTCCTCCAT[AG>A]GGGGTGCTGTGATGACACTGTAGCCAGTCCCACCAAATGGACCAGGTGCCAGGGTGATCT-3'

ClinVar aggregate classification (germline): Pathogenic (1 of 4 stars; one submission).

Submission:

Labcorp Genetics (formerly Invitae), Labcorp
Classification: Pathogenic. Last evaluated: 2023-11-07. Review status: criteria provided, single submitter. Criteria: Invitae Variant Classification Sherloc (09022015). Collection method: clinical testing. Allele origin: germline.
Comment: This sequence change creates a premature translational stop signal (p.Pro888Leufs*27) in the ZNF335 gene. It is expected to result in an absent or disrupted protein product. Loss-of-function variants in ZNF335 are known to be pathogenic (PMID: 23178126, 26795593). This variant is not present in population databases (gnomAD no frequency). This variant has not been reported in the literature in individuals affected with ZNF335-related conditions. For these reasons, this variant has been classified as Pathogenic.

Literature cited by the submitters: PubMed 23178126; PubMed 26795593.